The following is an entry in ClinVar:

NM_014991.6(WDFY3):c.2296A>G (p.Ser766Gly)

Genes: WDFY3 (WD repeat and FYVE domain containing 3; minus strand), WDFY3-AS1 (WDFY3 antisense RNA 1; plus strand). Cytogenetic location: 4q21.23.
Variant type: single nucleotide variant.
Coding change: c.2296A>G on transcript NM_014991.6 (MANE Select); coding-DNA position 2296, A replaced by G.
Protein change: p.Ser766Gly; replaces serine 766 with glycine.
Molecular consequence: missense variant.
Genome position (GRCh38, 1-based): chr4:84,809,936, T>C on the plus strand (A>G on the coding strand, the complement: WDFY3 is on the minus strand). VCF-style: chr4-84809936-T-C. GRCh37 (hg19) VCF-style: chr4-85731089-T-C.
Other names: short protein forms S766G.
Identifiers: ClinVar variation 4530837 (VCV004530837.1).

ClinVar aggregate classification (germline): Uncertain significance (1 of 4 stars; one submission).

Submission:

GeneDx
Classification: Uncertain significance. Last evaluated: 2025-05-18. Review status: criteria provided, single submitter. Criteria: GeneDx Variant Classification Process June 2021. Collection method: clinical testing. Allele origin: germline. Affected: yes.
Comment: Observed as an apparently de novo variant in an individual with autism; however no further clinical information was provided (PMID: 35982159); Not observed at significant frequency in large population cohorts (gnomAD); In silico analysis supports a deleterious effect on splicing; In silico analysis suggests that this missense variant does not alter protein structure/function; This variant is associated with the following publications: (PMID: 35982159)